The following is an entry in ClinVar:

ClinVar aggregate classification (germline): Uncertain significance. Review status: criteria provided, multiple submitters, no conflicts (2 of 4 stars). 2 submissions from 2 submitters: Uncertain significance (2). Last evaluated 2024-05-28.

Conditions:
Intellectual developmental disorder, X-linked 1. Also called: MENTAL RETARDATION, X-LINKED 18; MENTAL RETARDATION, X-LINKED 78; Intellectual disability, X-linked 1; Atkin Flaitz Patil Smith syndrome. Identifiers: Orphanet 777, MedGen C2931498, MONDO:0010656, OMIM 309530.
Inborn genetic diseases. Identifiers: MedGen C0950123, MeSH D030342.

Allele frequency attached by ClinVar (database versions not stated): gnomAD exomes below 0.00001.
gnomAD v4.1: 4 of 1,108,364 alleles (0.00036%); highest among the groups gnomAD compares: Non-Finnish European, 0.00047%; no homozygotes.

Submissions (2):

Labcorp Genetics (formerly Invitae), Labcorp
Classification: Uncertain significance for Intellectual developmental disorder, X-linked 1. Last evaluated: 2024-05-28. Review status: criteria provided, single submitter. Criteria: Invitae Variant Classification Sherloc (09022015). Collection method: clinical testing. Allele origin: germline.
Comment: This sequence change replaces proline, which is neutral and non-polar, with serine, which is neutral and polar, at codon 1385 of the IQSEC2 protein (p.Pro1385Ser). This variant is not present in population databases (gnomAD no frequency). This variant has not been reported in the literature in individuals affected with IQSEC2-related conditions. ClinVar contains an entry for this variant (Variation ID: 471272). Advanced modeling of protein sequence and biophysical properties (such as structural, functional, and spatial information, amino acid conservation, physicochemical variation, residue mobility, and thermodynamic stability) performed at Invitae indicates that this missense variant is not expected to disrupt IQSEC2 protein function with a negative predictive value of 95%. In summary, the available evidence is currently insufficient to determine the role of this variant in disease. Therefore, it has been classified as a Variant of Uncertain Significance.

Ambry Genetics
Classification: Uncertain significance for Inborn genetic diseases. Last evaluated: 2018-03-10. Review status: criteria provided, single submitter. Criteria: Ambry Variant Classification Scheme 2023. Collection method: clinical testing. Allele origin: germline.
Comment: The p.P1385S variant (also known as c.4153C>T), located in coding exon 15 of the IQSEC2 gene, results from a C to T substitution at nucleotide position 4153. The proline at codon 1385 is replaced by serine, an amino acid with similar properties. This amino acid position is highly conserved in available vertebrate species. In addition, this alteration is predicted to be tolerated by in silico analysis. Since supporting evidence is limited at this time, the clinical significance of this alteration remains unclear.

NM_001111125.3(IQSEC2):c.4153C>T (p.Pro1385Ser)

Gene: IQSEC2 (IQ motif and Sec7 domain ArfGEF 2; minus strand). Cytogenetic location: Xp11.22.
Variant type: single nucleotide variant.
Coding change: c.4153C>T on transcript NM_001111125.3 (MANE Select); coding-DNA position 4153, C replaced by T.
Protein change: p.Pro1385Ser; replaces proline 1385 with serine.
Molecular consequence: missense variant. On other transcripts: 3 prime UTR variant (1).
Genome position (GRCh38, 1-based): chrX:53,234,533, G>A on the plus strand (C>T on the coding strand, the complement: IQSEC2 is on the minus strand). VCF-style: chrX-53234533-G-A. GRCh37 (hg19) VCF-style: chrX-53263715-G-A.
Other names: c.*638C>T (NM_015075.2); short protein forms P1385S.
Identifiers: ClinVar variation 471272 (VCV000471272.11), dbSNP rs1556859040, ClinGen allele CA413139313.
Genomic context (GRCh38, chrX:53,234,533, plus strand): 5'-CCCCAGCCGCGCCTGCTGCTGGCATCATCTGTGGGTGGTGGCTGAAGATGAAGTGCTTAG[G>A]GCCCTGTTTGTGGGCTGGAGGGTGCTGGGGGGCAGGACTGTACAGGGGCAGTGGGGATGT-3'
Protein context (NP_001104595.1, residues 1375-1395): PQHPPAHKQG[Pro1385Ser]KHFIFSHHPQ